The following is an entry in ClinVar:

ClinVar aggregate classification (germline): Uncertain significance. Review status: criteria provided, single submitter (1 of 4 stars). 2 submissions from 2 submitters: Uncertain significance (1). 1 of the submissions does not count toward it. Last evaluated 2025-05-01.

Conditions:
SEMA3G-related disorder. Also called: SEMA3G-related condition.

gnomAD v4.1: 11 of 1,610,582 alleles (0.00068%); highest among the groups gnomAD compares: Non-Finnish European, 0.00093%; no homozygotes.

Submissions (2):

Ambry Genetics
Classification: Uncertain significance. Last evaluated: 2025-05-01. Review status: criteria provided, single submitter. Criteria: Ambry Variant Classification Scheme 2023. Collection method: clinical testing. Allele origin: germline.

PreventionGenetics, part of Exact Sciences
Classification: Uncertain significance for SEMA3G-related condition. Last evaluated: 2024-01-23. Review status: no assertion criteria provided. Collection method: clinical testing. Allele origin: germline. Not counted in ClinVar's aggregate classification.
Comment: The SEMA3G c.1097A>G variant is predicted to result in the amino acid substitution p.Gln366Arg. To our knowledge, this variant has not been reported in the literature. This variant is reported in 0.00091% of alleles in individuals of European (Non-Finnish) descent in gnomAD. At this time, the clinical significance of this variant is uncertain due to the absence of conclusive functional and genetic evidence.

NM_020163.3(SEMA3G):c.1097A>G (p.Gln366Arg)

Gene: SEMA3G (semaphorin 3G; minus strand). Cytogenetic location: 3p21.1.
Variant type: single nucleotide variant.
Coding change: c.1097A>G on transcript NM_020163.3 (MANE Select); coding-DNA position 1097, A replaced by G.
Protein change: p.Gln366Arg; replaces glutamine 366 with arginine.
Molecular consequence: missense variant.
Genome position (GRCh38, 1-based): chr3:52,440,423, T>C on the plus strand (A>G on the coding strand, the complement: SEMA3G is on the minus strand). VCF-style: chr3-52440423-T-C. GRCh37 (hg19) VCF-style: chr3-52474439-T-C.
Other names: c.1097A>G (NM_020163.1); short protein forms Q366R.
Identifiers: ClinVar variation 3353720 (VCV003353720.2).